The following is an entry in ClinVar:

NM_004826.4(ECEL1):c.69C>A (p.Cys23Ter)

Gene: ECEL1 (endothelin converting enzyme like 1; minus strand). Cytogenetic location: 2q37.1.
Variant type: single nucleotide variant.
Coding change: c.69C>A on transcript NM_004826.4 (MANE Select); coding-DNA position 69, C replaced by A.
Protein change: p.Cys23Ter; replaces cysteine 23 with a stop codon.
Molecular consequence: nonsense.
Genome position (GRCh38, 1-based): chr2:232,486,585, G>T on the plus strand (C>A on the coding strand, the complement: ECEL1 is on the minus strand). VCF-style: chr2-232486585-G-T. GRCh37 (hg19) VCF-style: chr2-233351295-G-T.
Other names: c.69C>A, p.Cys23Ter (NM_001290787.2); short protein forms C23*.
Identifiers: ClinVar variation 3340907 (VCV003340907.3).

ClinVar aggregate classification (germline): Pathogenic/Likely pathogenic. Review status: criteria provided, multiple submitters, no conflicts (2 of 4 stars). 2 submissions from 2 submitters: Pathogenic (1); Likely pathogenic (1). Last evaluated 2024-03-23.

Conditions:
Distal arthrogryposis type 5D (DA5D). Identifiers: Orphanet 329457, MedGen C3554415, MONDO:0014028, OMIM 615065.

Submissions (2):

GeneDx
Classification: Pathogenic. Last evaluated: 2024-03-23. Review status: criteria provided, single submitter. Criteria: GeneDx Variant Classification Process June 2021. Collection method: clinical testing. Allele origin: germline. Affected: yes.
Comment: Nonsense variant predicted to result in protein truncation or nonsense mediated decay in a gene for which loss of function is a known mechanism of disease; Not observed at significant frequency in large population cohorts (gnomAD); This variant is associated with the following publications: (PMID: 33672664, 38327621, 34682174, 32566668)

Juno Genomics, Hangzhou Juno Genomics, Inc
Classification: Likely pathogenic for Distal arthrogryposis type 5D. Review status: criteria provided, single submitter. Criteria: ACMG Guidelines, 2015. Collection method: clinical testing. Allele origin: germline.
Comment: Absent from controls (or at extremely low frequency if recessive) in Genome Aggregation Database.;Null variant in a gene where loss of function (LOF) is a known mechanism of disease.